The following is an entry in ClinVar:

ClinVar aggregate classification (germline): Uncertain significance (1 of 4 stars; one submission).

Conditions:
Cardiovascular phenotype. Identifiers: MedGen CN230736.

Submission:

Ambry Genetics
Classification: Uncertain significance for Cardiovascular phenotype. Last evaluated: 2020-05-05. Review status: criteria provided, single submitter. Criteria: Ambry Variant Classification Scheme 2023. Collection method: clinical testing. Allele origin: germline.
Comment: The p.H2550Y variant (also known as c.7648C>T), located in coding exon 50 of the RYR2 gene, results from a C to T substitution at nucleotide position 7648. The histidine at codon 2550 is replaced by tyrosine, an amino acid with similar properties. This amino acid position is highly conserved in available vertebrate species. In addition, this alteration is predicted to be deleterious by in silico analysis. Since supporting evidence is limited at this time, the clinical significance of this alteration remains unclear.

NM_001035.3(RYR2):c.7648C>T (p.His2550Tyr)

Gene: RYR2 (ryanodine receptor 2; plus strand). Cytogenetic location: 1q43.
Variant type: single nucleotide variant.
Coding change: c.7648C>T on transcript NM_001035.3 (MANE Select); coding-DNA position 7648, C replaced by T.
Protein change: p.His2550Tyr; replaces histidine 2550 with tyrosine.
Molecular consequence: missense variant.
Genome position (GRCh38, 1-based): chr1:237,650,012, C>T. VCF-style: chr1-237650012-C-T. GRCh37 (hg19) VCF-style: chr1-237813312-C-T.
Other names: short protein forms H2550Y.
Identifiers: ClinVar variation 1759961 (VCV001759961.2), dbSNP rs2547037467, ClinGen allele CA345399263.